The following is an entry in ClinVar:

ClinVar aggregate classification (germline): Likely benign (0 of 4 stars; one submission).

Conditions:
LRIG1-related disorder. Also called: LRIG1-related condition.

Allele frequency attached by ClinVar (database versions not stated): 1000 Genomes Project 0.00020; ESP Exome Variant Server 0.00031; gnomAD 0.00037; 1000 Genomes Project 30x 0.00016; TOPMed 0.00039; gnomAD exomes 0.00067; ExAC 0.00089.
gnomAD v4.1: 1,044 of 1,614,136 alleles (0.065%); highest among the groups gnomAD compares: South Asian, 0.47%; 9 homozygotes.

Submission:

PreventionGenetics, part of Exact Sciences
Classification: Likely benign for LRIG1-related condition. Last evaluated: 2020-06-22. Review status: no assertion criteria provided. Collection method: clinical testing. Allele origin: germline.
Comment: This variant is classified as likely benign based on ACMG/AMP sequence variant interpretation guidelines (Richards et al. 2015 PMID: 25741868, with internal and published modifications).

NM_015541.3(LRIG1):c.857A>G (p.His286Arg)

Gene: LRIG1 (leucine rich repeats and immunoglobulin like domains 1; minus strand). Cytogenetic location: 3p14.1.
Variant type: single nucleotide variant.
Coding change: c.857A>G on transcript NM_015541.3 (MANE Select); coding-DNA position 857, A replaced by G.
Protein change: p.His286Arg; replaces histidine 286 with arginine.
Molecular consequence: missense variant.
Genome position (GRCh38, 1-based): chr3:66,410,207, T>C on the plus strand (A>G on the coding strand, the complement: LRIG1 is on the minus strand). VCF-style: chr3-66410207-T-C. GRCh37 (hg19) VCF-style: chr3-66460631-T-C.
Other names: c.782A>G, p.His261Arg (NM_001377344.1); c.77A>G, p.His26Arg (NM_001377345.1, NM_001377346.1); short protein forms H261R, H26R, H286R.
Identifiers: ClinVar variation 3033101 (VCV003033101.2), dbSNP rs143102583, ClinGen allele CA2485030.